The following is an entry in ClinVar:

ClinVar aggregate classification (germline): Uncertain significance (1 of 4 stars; one submission).

Conditions:
Hereditary cancer-predisposing syndrome. Also called: Neoplastic Syndromes, Hereditary; Tumor predisposition; Hereditary Cancer Syndrome; Hereditary neoplastic syndrome. Identifiers: Orphanet 140162, MedGen C0027672, MeSH D009386, MONDO:0015356.

gnomAD v4.1: 2 of 1,594,688 alleles (0.00013%); highest among the groups gnomAD compares: Non-Finnish European, 0.00017%; no homozygotes.

Submission:

Ambry Genetics
Classification: Uncertain significance for Hereditary cancer-predisposing syndrome. Last evaluated: 2025-09-26. Review status: criteria provided, single submitter. Criteria: Ambry Variant Classification Scheme 2023. Collection method: clinical testing. Allele origin: germline.
Comment: The p.K464E variant (also known as c.1390A>G), located in coding exon 12 of the CHEK2 gene, results from an A to G substitution at nucleotide position 1390. The lysine at codon 464 is replaced by glutamic acid, an amino acid with similar properties. This amino acid position is conserved. In addition, the in silico prediction for this alteration is inconclusive. Based on the available evidence, the clinical significance of this variant remains unclear.

NM_007194.4(CHEK2):c.1390A>G (p.Lys464Glu)

Gene: CHEK2 (checkpoint kinase 2; minus strand). Cytogenetic location: 22q12.1.
Variant type: single nucleotide variant.
Coding change: c.1390A>G on transcript NM_007194.4 (MANE Select); coding-DNA position 1390, A replaced by G.
Protein change: p.Lys464Glu; replaces lysine 464 with glutamic acid.
Molecular consequence: missense variant.
Genome position (GRCh38, 1-based): chr22:28,694,103, T>C on the plus strand (A>G on the coding strand, the complement: CHEK2 is on the minus strand). VCF-style: chr22-28694103-T-C. GRCh37 (hg19) VCF-style: chr22-29090091-T-C.
Other names: c.1519A>G, p.Lys507Glu (NM_001005735.3); c.727A>G, p.Lys243Glu (NM_001257387.3, NM_001437942.1); c.1189A>G, p.Lys397Glu (NM_001349956.3); c.1483A>G, p.Lys495Glu (NM_001438293.1); c.1432A>G, p.Lys478Glu (NM_001438294.1); c.1396A>G, p.Lys466Glu (NM_001438295.1); c.1303A>G, p.Lys435Glu (NM_145862.3); short protein forms K464E, K495E, K507E, K397E, K435E, K478E, K243E, K466E.
Identifiers: ClinVar variation 4634590 (VCV004634590.1).
Genomic context (GRCh38, chr22:28,694,103, plus strand): 5'-GGTGTCTTAAGGCTTCTTCTGTCGTAAAACGTGCCTTTGGATCCACTACCAACAACTTCT[T>C]GACAAGGTCCAGAGCTAAAGCAACAATTGGGCAAATCACAGTGAAAAGGATAAATATATT-3'
Protein context (NP_009125.1, residues 454-474): EVSEKALDLV[Lys464Glu]KLLVVDPKAR